The following is an entry in ClinVar:

ClinVar aggregate classification (germline): Uncertain significance (1 of 4 stars; one submission).

Conditions:
Familial thoracic aortic aneurysm and aortic dissection (TAAD). Also called: Thoracic aortic aneurysms and dissections. Identifiers: Orphanet 91387, MedGen C4707243, MONDO:0019625.

Submission:

Ambry Genetics
Classification: Uncertain significance for Familial thoracic aortic aneurysm and aortic dissection. Last evaluated: 2026-03-28. Review status: criteria provided, single submitter. Criteria: Ambry Variant Classification Scheme 2023. Collection method: clinical testing. Allele origin: germline.
Comment: The p.D2020E variant (also known as c.6060C>A), located in coding exon 32 of the NOTCH1 gene, results from a C to A substitution at nucleotide position 6060. The aspartic acid at codon 2020 is replaced by glutamic acid, an amino acid with highly similar properties. This amino acid position is conserved. In addition, this alteration is predicted to be tolerated by in silico analysis. Based on the available evidence, the clinical significance of this variant remains unclear.

NM_017617.5(NOTCH1):c.6060C>A (p.Asp2020Glu)

Genes: NOTCH1 (notch receptor 1; minus strand), LOC126860794 (BRD4-independent group 4 enhancer GRCh37_chr9:139392592-139393791; plus strand). Cytogenetic location: 9q34.3.
Variant type: single nucleotide variant.
Coding change: c.6060C>A on transcript NM_017617.5 (MANE Select); coding-DNA position 6060, C replaced by A.
Protein change: p.Asp2020Glu; replaces aspartic acid 2020 with glutamic acid.
Molecular consequence: missense variant.
Genome position (GRCh38, 1-based): chr9:136,499,134, G>T on the plus strand (C>A on the coding strand, the complement: NOTCH1 is on the minus strand). VCF-style: chr9-136499134-G-T. GRCh37 (hg19) VCF-style: chr9-139393586-G-T.
Other names: short protein forms D2020E.
Identifiers: ClinVar variation 4861111 (VCV004861111.1).